The following is an entry in ClinVar:

NM_000059.4(BRCA2):c.5471dup (p.Asn1824fs)

Gene: BRCA2 (BRCA2 DNA repair associated; plus strand). Cytogenetic location: 13q13.1.
Variant type: Duplication.
Coding change: c.5471dup on transcript NM_000059.4 (MANE Select); coding-DNA position 5471, one base duplicated (A; older notation c.5471dupA).
Protein change: p.Asn1824fs; shifts the reading frame from asparagine 1824.
Molecular consequence: frameshift variant.
Genome position (GRCh38, 1-based): chr13:32,339,826, A duplicated; the last of 5 consecutive A bases (chr13:32,339,822-32,339,826); duplicating any one gives the same sequence. VCF-style (leftmost placement, unchanged base first): chr13-32339821-T-TA. GRCh37 (hg19) VCF-style: chr13-32913958-T-TA.
Other names: 5699insA; c.5471dupA (NM_000059.3); short protein forms N1824fs.
Identifiers: ClinVar variation 37967 (VCV000037967.31), dbSNP rs80359515, ClinGen allele CA022391.

ClinVar aggregate classification (germline): Pathogenic. Review status: reviewed by expert panel (3 of 4 stars). 17 submissions from 17 submitters: Pathogenic (1). 16 of the submissions do not count toward it. Last evaluated 2016-09-08.

Conditions:
BRCA2-related disorder. Also called: BRCA2-related condition; BRCA2-related disorders. Identifiers: MedGen CN239275.
Hereditary cancer-predisposing syndrome. Also called: Neoplastic Syndromes, Hereditary; Hereditary neoplastic syndrome; Tumor predisposition; Hereditary Cancer Syndrome. Identifiers: Orphanet 140162, MedGen C0027672, MeSH D009386, MONDO:0015356.
Hereditary breast ovarian cancer syndrome. Also called: Hereditary breast and/or ovarian cancer syndrome; Breast and ovarian cancer; BRCA1- and BRCA2-Associated Hereditary Breast and Ovarian Cancer; Hereditary breast and ovarian cancer; Hereditary breast and ovarian cancer syndrome; Hereditary breast and ovarian cancer syndrome (HBOC). Identifiers: Orphanet 145, MedGen C0677776, MeSH D061325, MONDO:0003582. Disease mechanism: loss of function.
Breast-ovarian cancer, familial, susceptibility to, 2 (BROVCA2). Also called: BRCA2 Hereditary Breast and Ovarian Cancer. Identifiers: Orphanet 145, MedGen C2675520, MONDO:0012933, OMIM 612555. Disease mechanism: loss of function.
Familial cancer of breast. Also called: BREAST CANCER, FAMILIAL; Hereditary breast cancer; hereditary breast carcinoma. Identifiers: Orphanet 227535, MedGen C0346153, MONDO:0016419, OMIM 114480. Disease mechanism: loss of function.

Submissions 1 to 11 of 17:

Evidence-based Network for the Interpretation of Germline Mutant Alleles (ENIGMA)
Classification: Pathogenic for Breast-ovarian cancer, familial, susceptibility to, 2. Last evaluated: 2016-09-08. Review status: reviewed by expert panel. Criteria: ENIGMA BRCA1/2 Classification Criteria (2015). Collection method: curation. Allele origin: germline.
Comment: Variant allele predicted to encode a truncated non-functional protein.

Labcorp Genetics (formerly Invitae), Labcorp
Classification: Pathogenic for Hereditary breast ovarian cancer syndrome. Last evaluated: 2026-01-30. Review status: criteria provided, single submitter. Criteria: Invitae Variant Classification Sherloc (09022015). Collection method: clinical testing. Allele origin: germline. Not counted in ClinVar's aggregate classification.
Comment: This sequence change creates a premature translational stop signal (p.Asn1824Lysfs*5) in the BRCA2 gene. It is expected to result in an absent or disrupted protein product. Loss-of-function variants in BRCA2 are known to be pathogenic (PMID: 20104584). This variant is not present in population databases (gnomAD no frequency). This premature translational stop signal has been observed in individual(s) with personal and/or family history of breast and/or ovarian cancer (PMID: 15131399, 29446198). This variant is also known as 5699insA. ClinVar contains an entry for this variant (Variation ID: 37967). For these reasons, this variant has been classified as Pathogenic.

Women's Health and Genetics/Laboratory Corporation of America, LabCorp
Classification: Pathogenic for Hereditary breast ovarian cancer syndrome. Last evaluated: 2025-08-07. Review status: criteria provided, single submitter. Criteria: LabCorp Variant Classification Summary - May 2015. Collection method: clinical testing. Allele origin: germline. Not counted in ClinVar's aggregate classification.
Comment: Variant summary: BRCA2 c.5471dupA (p.Asn1824LysfsX5) results in a premature termination codon, predicted to cause a truncation of the encoded protein or absence of the protein due to nonsense mediated decay, which are commonly known mechanisms for disease. The frequency data for this variant in gnomAD is considered unreliable, as metrics indicate poor data quality at this position. c.5471dupA has been observed in individual(s) affected with Hereditary Breast And Ovarian Cancer Syndrome (example: Lubinski_2004). The following publication has been ascertained in the context of this evaluation (PMID: 15131399). ClinVar contains an entry for this variant (Variation ID: 37967). Based on the evidence outlined above, the variant was classified as pathogenic.

All of Us Research Program, National Institutes of Health
Classification: Pathogenic for Breast-ovarian cancer, familial, susceptibility to, 2. Last evaluated: 2024-01-08. Review status: criteria provided, single submitter. Criteria: ACMG Guidelines, 2015. Collection method: clinical testing. Allele origin: germline. Inheritance: Autosomal dominant inheritance. Observed: 1 variant allele, 1 heterozygote. Not counted in ClinVar's aggregate classification.
Comment: This variant inserts 1 nucleotide in exon 11 of the BRCA2 gene, creating a frameshift and premature translation stop signal. This variant is expected to result in an absent or non-functional protein product. This variant has been reported in individuals with a personal or family history of breast or ovarian cancer (PMID: 15131399, 29446198, 36881271) and in an unaffected individual (PMID: 33471991; Leiden Open Variation Database DB-ID BRCA2_004785). This variant has not been identified in the general population by the Genome Aggregation Database (gnomAD). Loss of BRCA2 function is a known mechanism of disease. Based on the available evidence, this variant is classified as Pathogenic.

This study involves interpretation of variants in research participants for the purpose of population health screening. Participant phenotype was not available at the time of variant classification. Additional details can be found in publication PMID: 35346344, PMCID: PMC8962531

Color Diagnostics, LLC DBA Color Health
Classification: Pathogenic for Hereditary cancer-predisposing syndrome. Last evaluated: 2023-11-15. Review status: criteria provided, single submitter. Criteria: ACMG Guidelines, 2015. Collection method: clinical testing. Allele origin: germline. Not counted in ClinVar's aggregate classification.
Comment: This variant inserts 1 nucleotide in exon 11 of the BRCA2 gene, creating a frameshift and premature translation stop signal. This variant is expected to result in an absent or non-functional protein product. This variant has been reported in individuals with a personal or family history of breast or ovarian cancer (PMID: 15131399, 29446198, 36881271) and in an unaffected individual (PMID: 33471991; Leiden Open Variation Database DB-ID BRCA2_004785). This variant has not been identified in the general population by the Genome Aggregation Database (gnomAD). Loss of BRCA2 function is a known mechanism of disease. Based on the available evidence, this variant is classified as Pathogenic.

Quest Diagnostics Nichols Institute San Juan Capistrano
Classification: Pathogenic. Last evaluated: 2023-01-06. Review status: criteria provided, single submitter. Criteria: Quest Diagnostics criteria. Collection method: clinical testing. Allele origin: unknown. Not counted in ClinVar's aggregate classification.
Comment: This frameshift variant alters the translational reading frame of the BRCA2 mRNA and causes the premature termination of BRCA2 protein synthesis. This variant has not been reported in large, multi-ethnic general populations. In the published literature, the variant has been reported in a family with a BRCA2 related cancer (PMID: 15131399 (2004)), and in a family with a personal and/or family history of breast and/or ovarian cancer (PMID: 29446198 (2018)). Based on the available information, this variant is classified as pathogenic.

Ambry Genetics
Classification: Pathogenic for Hereditary cancer-predisposing syndrome. Last evaluated: 2022-11-22. Review status: criteria provided, single submitter. Criteria: Ambry Variant Classification Scheme 2023. Collection method: clinical testing. Allele origin: germline. Not counted in ClinVar's aggregate classification.
Comment: The c.5471dupA pathogenic mutation, located in coding exon 10 of the BRCA2 gene, results from a duplication of A at nucleotide position 5471, causing a translational frameshift with a predicted alternate stop codon (p.N1824Kfs*5). This alteration has previously been described as a mutation in one family in published literature; however, no clinical data was provided (Lubinski J et al. Fam Cancer. 2004;3(1):1-10). In addition to the clinical data presented in the literature, this alteration is expected to result in loss of function by premature protein truncation or nonsense-mediated mRNA decay. As such, this alteration is interpreted as a disease-causing mutation.

Baylor Genetics
Classification: Pathogenic for Familial cancer of breast. Last evaluated: 2022-05-23. Review status: criteria provided, single submitter. Criteria: ACMG Guidelines, 2015. Collection method: clinical testing. Allele origin: unknown. Not counted in ClinVar's aggregate classification.

Blueprint Genetics
Classification: Pathogenic for BRCA2-related disorders. Last evaluated: 2021-09-03. Review status: criteria provided, single submitter. Criteria: ACMG Guidelines, 2015. Collection method: clinical testing. Allele origin: germline. Affected: yes. Observed: 1 variant allele. Not counted in ClinVar's aggregate classification.

GeneDx
Classification: Pathogenic. Last evaluated: 2018-04-05. Review status: criteria provided, single submitter. Criteria: GeneDx Variant Classification (06012015). Collection method: clinical testing. Allele origin: germline. Affected: yes. Not counted in ClinVar's aggregate classification.
Comment: This duplication of one nucleotide in BRCA2 is denoted c.5471dupA at the cDNA level and p.Asn1824LysfsX5 (N1824KfsX5) at the protein level. The normal sequence, with the base that is duplicated in brackets, is TAAAA[dupA]TGCA. The duplication causes a frameshift, which changes an Asparagine to a Lysine at codon 1824, and creates a premature stop codon at position 5 of the new reading frame. This variant is predicted to cause loss of normal protein function through either protein truncation or nonsense-mediated mRNA decay. BRCA2 c.5471dupA, previously reported as 5699insA using alternate nomenclature, has been reported in association with hereditary breast and/or ovarian cancer (Lubinski 2004). We consider this variant to be pathogenic.

Cancer Genetics and Genomics Laboratory, British Columbia Cancer Agency
Classification: Pathogenic for Hereditary breast ovarian cancer syndrome. Last evaluated: 2017-04-18. Review status: criteria provided, single submitter. Criteria: ACMG Guidelines, 2015. Collection method: clinical testing. Allele origin: germline. Study: The Canadian Open Genetics Repository (COGR). Not counted in ClinVar's aggregate classification.